The following is an entry in ClinVar:

NM_007194.4(CHEK2):c.1018G>T (p.Glu340Ter)

Gene: CHEK2 (checkpoint kinase 2; minus strand). Cytogenetic location: 22q12.1.
Variant type: single nucleotide variant.
Coding change: c.1018G>T on transcript NM_007194.4 (MANE Select); coding-DNA position 1018, G replaced by T.
Protein change: p.Glu340Ter; replaces glutamic acid 340 with a stop codon.
Molecular consequence: nonsense. On other transcripts: intron variant (3).
Genome position (GRCh38, 1-based): chr22:28,696,978, C>A on the plus strand (G>T on the coding strand, the complement: CHEK2 is on the minus strand). VCF-style: chr22-28696978-C-A. GRCh37 (hg19) VCF-style: chr22-29092966-C-A.
Other names: c.1147G>T, p.Glu383Ter (NM_001005735.3); c.355G>T, p.Glu119Ter (NM_001257387.3, NM_001437942.1); c.817G>T, p.Glu273Ter (NM_001349956.3); c.1111G>T, p.Glu371Ter (NM_001438293.1); c.1009-1105G>T (NM_145862.3); c.1102-1105G>T (NM_001438295.1); c.1138-1105G>T (NM_001438294.1); short protein forms E119*, E273*, E340*, E383*, E371*.
Identifiers: ClinVar variation 2583585 (VCV002583585.5), dbSNP rs1601727470, ClinGen allele CA411097812.

ClinVar aggregate classification (germline): Pathogenic. Review status: criteria provided, multiple submitters, no conflicts (2 of 4 stars). 2 submissions from 2 submitters: Pathogenic (2). Last evaluated 2023-09-10.

Conditions:
Familial cancer of breast. Also called: Hereditary breast cancer; BREAST CANCER, FAMILIAL; hereditary breast carcinoma. Identifiers: Orphanet 227535, MedGen C0346153, MONDO:0016419, OMIM 114480. Disease mechanism: loss of function.

Submissions (2):

Labcorp Genetics (formerly Invitae), Labcorp
Classification: Pathogenic for Familial cancer of breast. Last evaluated: 2023-09-10. Review status: criteria provided, single submitter. Criteria: Invitae Variant Classification Sherloc (09022015). Collection method: clinical testing. Allele origin: germline.
Comment: This sequence change creates a premature translational stop signal (p.Glu340*) in the CHEK2 gene. It is expected to result in an absent or disrupted protein product. Loss-of-function variants in CHEK2 are known to be pathogenic (PMID: 21876083, 24713400). This variant is not present in population databases (gnomAD no frequency). This premature translational stop signal has been observed in individual(s) with breast cancer (PMID: 28724667). For these reasons, this variant has been classified as Pathogenic.

Myriad Genetics, Inc.
Classification: Pathogenic for Familial cancer of breast. Last evaluated: 2023-06-27. Review status: criteria provided, single submitter. Criteria: Myriad Autosomal Dominant, Autosomal Recessive and X-Linked Classification Criteria (2023). Collection method: clinical testing. Allele origin: unknown.
Comment: This variant is considered pathogenic. This variant creates a termination codon and is predicted to result in premature protein truncation.

Literature cited by the submitters: PubMed 21876083 (cited by Labcorp Genetics (formerly Invitae), Labcorp); PubMed 24713400 (cited by Labcorp Genetics (formerly Invitae), Labcorp); PubMed 28724667 (cited by Labcorp Genetics (formerly Invitae), Labcorp).